The following is an entry in ClinVar:

ClinVar aggregate classification (germline): Uncertain significance (1 of 4 stars; one submission).

Allele frequency attached by ClinVar (database versions not stated): gnomAD 0.00001.
gnomAD v4.1: 1 of 1,613,688 alleles (0.000062%); highest among the groups gnomAD compares: Admixed American, 0.0017%; no homozygotes.

Submission:

Labcorp Genetics (formerly Invitae), Labcorp
Classification: Uncertain significance. Last evaluated: 2022-07-18. Review status: criteria provided, single submitter. Criteria: Invitae Variant Classification Sherloc (09022015). Collection method: clinical testing. Allele origin: germline.
Comment: In summary, the available evidence is currently insufficient to determine the role of this variant in disease. Therefore, it has been classified as a Variant of Uncertain Significance. Algorithms developed to predict the effect of missense changes on protein structure and function are either unavailable or do not agree on the potential impact of this missense change (SIFT: "Tolerated"; PolyPhen-2: "Possibly Damaging"; Align-GVGD: "Class C0"). This variant has not been reported in the literature in individuals affected with SLC25A42-related conditions. This variant is not present in population databases (gnomAD no frequency). This sequence change replaces valine, which is neutral and non-polar, with leucine, which is neutral and non-polar, at codon 98 of the SLC25A42 protein (p.Val98Leu).

NM_178526.5(SLC25A42):c.292G>C (p.Val98Leu)

Gene: SLC25A42 (solute carrier family 25 member 42; plus strand). Cytogenetic location: 19p13.11.
Variant type: single nucleotide variant.
Coding change: c.292G>C on transcript NM_178526.5 (MANE Select); coding-DNA position 292, G replaced by C.
Protein change: p.Val98Leu; replaces valine 98 with leucine.
Molecular consequence: missense variant.
Genome position (GRCh38, 1-based): chr19:19,105,639, G>C. VCF-style: chr19-19105639-G-C. GRCh37 (hg19) VCF-style: chr19-19216448-G-C.
Other names: c.292G>C, p.Val98Leu (NM_001321544.2); short protein forms V98L.
Identifiers: ClinVar variation 1914383 (VCV001914383.5), dbSNP rs2059821922, ClinGen allele CA404892355.